The following is an entry in ClinVar:

NM_001376.5(DYNC1H1):c.7015-14T>C

Gene: DYNC1H1 (dynein cytoplasmic 1 heavy chain 1; plus strand). Cytogenetic location: 14q32.31.
Variant type: single nucleotide variant.
Coding change: c.7015-14T>C on transcript NM_001376.5 (MANE Select); 14 bases into the intron before coding-DNA position 7015, T replaced by C.
Molecular consequence: intron variant.
Genome position (GRCh38, 1-based): chr14:102,015,091, T>C. VCF-style: chr14-102015091-T-C. GRCh37 (hg19) VCF-style: chr14-102481428-T-C.
Identifiers: ClinVar variation 1575782 (VCV001575782.9), dbSNP rs753878203, ClinGen allele CA7352733.

ClinVar aggregate classification (germline): Likely benign. Review status: criteria provided, multiple submitters, no conflicts (2 of 4 stars). 2 submissions from 2 submitters: Likely benign (2). Last evaluated 2025-11-19.

Conditions:
Charcot-Marie-Tooth disease axonal type 2O. Also called: Charcot-Marie-Tooth disease, axonal, type 20; CHARCOT-MARIE-TOOTH NEUROPATHY, AXONAL, TYPE 2O; CHARCOT-MARIE-TOOTH DISEASE, AXONAL, AUTOSOMAL DOMINANT, TYPE 2O; Charcot-Marie-Tooth Neuropathy Type 2O. Identifiers: Orphanet 284232, MedGen C3280220, MONDO:0013644, OMIM 614228.

Allele frequency attached by ClinVar (database versions not stated): gnomAD 0.00001; gnomAD exomes 0.00003 and 0.00008; ExAC 0.00006; TOPMed 0.00006.
gnomAD v4.1: 21 of 1,613,966 alleles (0.0013%); highest among the groups gnomAD compares: Admixed American, 0.035%; no homozygotes.

Submissions (2):

Labcorp Genetics (formerly Invitae), Labcorp
Classification: Likely benign for Charcot-Marie-Tooth disease axonal type 2O. Last evaluated: 2025-11-19. Review status: criteria provided, single submitter. Criteria: Invitae Variant Classification Sherloc (09022015). Collection method: clinical testing. Allele origin: germline.

Women's Health and Genetics/Laboratory Corporation of America, LabCorp
Classification: Likely benign. Last evaluated: 2023-10-19. Review status: criteria provided, single submitter. Criteria: LabCorp Variant Classification Summary - May 2015. Collection method: clinical testing. Allele origin: germline.
Comment: Variant summary: DYNC1H1 c.7015-14T>C alters a nucleotide located at a position not widely known to affect splicing. Consensus agreement among computation tools predict no significant impact on normal splicing. However, these predictions have yet to be confirmed by functional studies. The variant allele was found at a frequency of 7.6e-05 in 251272 control chromosomes (gnomAD). To our knowledge, no occurrence of c.7015-14T>C in individuals affected with DYNC1H1-Related Disorders and no experimental evidence demonstrating its impact on protein function have been reported. One submitter has cited clinical-significance assessments for this variant to ClinVar after 2014 and has classified the variant as likely benign. Based on the evidence outlined above, the variant was classified as likely benign.